The following is an entry in ClinVar:

ClinVar aggregate classification (germline): Uncertain significance. Review status: criteria provided, multiple submitters, no conflicts (2 of 4 stars). 3 submissions from 3 submitters: Uncertain significance (2). 1 of the submissions does not count toward it. Last evaluated 2024-08-29.

Conditions:
MYO15A-related disorder. Also called: MYO15A-related condition.

Submissions (3):

Labcorp Genetics (formerly Invitae), Labcorp
Classification: Uncertain significance. Last evaluated: 2024-08-29. Review status: criteria provided, single submitter. Criteria: Invitae Variant Classification Sherloc (09022015). Collection method: clinical testing. Allele origin: germline.
Comment: This sequence change replaces arginine, which is basic and polar, with cysteine, which is neutral and slightly polar, at codon 240 of the MYO15A protein (p.Arg240Cys). This variant is not present in population databases (gnomAD no frequency). This variant has not been reported in the literature in individuals affected with MYO15A-related conditions. Invitae Evidence Modeling of protein sequence and biophysical properties (such as structural, functional, and spatial information, amino acid conservation, physicochemical variation, residue mobility, and thermodynamic stability) indicates that this missense variant is not expected to disrupt MYO15A protein function with a negative predictive value of 95%. In summary, the available evidence is currently insufficient to determine the role of this variant in disease. Therefore, it has been classified as a Variant of Uncertain Significance.

Blueprint Genetics
Classification: Uncertain significance. Last evaluated: 2024-03-19. Review status: criteria provided, single submitter. Criteria: ACMG Guidelines, 2015. Collection method: clinical testing. Allele origin: germline.

PreventionGenetics, part of Exact Sciences
Classification: Uncertain significance for MYO15A-related condition. Last evaluated: 2024-05-23. Review status: no assertion criteria provided. Collection method: clinical testing. Allele origin: germline. Not counted in ClinVar's aggregate classification.
Comment: The MYO15A c.718C>T variant is predicted to result in the amino acid substitution p.Arg240Cys. To our knowledge, this variant has not been reported in the literature or in a large population database, indicating this variant is rare. At this time, the clinical significance of this variant is uncertain due to the absence of conclusive functional and genetic evidence.

NM_016239.4(MYO15A):c.718C>T (p.Arg240Cys)

Gene: MYO15A (myosin XVA; plus strand). Cytogenetic location: 17p11.2.
Variant type: single nucleotide variant.
Coding change: c.718C>T on transcript NM_016239.4 (MANE Select); coding-DNA position 718, C replaced by T.
Protein change: p.Arg240Cys; replaces arginine 240 with cysteine.
Molecular consequence: missense variant.
Genome position (GRCh38, 1-based): chr17:18,119,518, C>T. VCF-style: chr17-18119518-C-T. GRCh37 (hg19) VCF-style: chr17-18022832-C-T.
Other names: short protein forms R240C.
Identifiers: ClinVar variation 3352440 (VCV003352440.4).